The following is an entry in ClinVar:

ClinVar aggregate classification (germline): Pathogenic (1 of 4 stars; one submission).

Conditions:
Fabry disease. Also called: Fabry's disease; ALPHA-GALACTOSIDASE A DEFICIENCY; ANDERSON-FABRY DISEASE; CERAMIDE TRIHEXOSIDASE DEFICIENCY; GLA DEFICIENCY; HEREDITARY DYSTOPIC LIPIDOSIS. Identifiers: Orphanet 324, MedGen C0002986, MONDO:0010526, OMIM 301500, HP:0001071. Disease mechanism: Fabry disease is due to inactivating mutations in the X-linked GLA gene resulting in deficiency of the enzyme Alpha Galactosidase-A., loss of function.

Submission:

Labcorp Genetics (formerly Invitae), Labcorp
Classification: Pathogenic for Fabry disease. Last evaluated: 2023-11-11. Review status: criteria provided, single submitter. Criteria: Invitae Variant Classification Sherloc (09022015). Collection method: clinical testing. Allele origin: germline.
Comment: This sequence change creates a premature translational stop signal (p.Gly163Glufs*2) in the GLA gene. It is expected to result in an absent or disrupted protein product. Loss-of-function variants in GLA are known to be pathogenic (PMID: 10666480, 12175777). This variant is not present in population databases (gnomAD no frequency). This variant has not been reported in the literature in individuals affected with GLA-related conditions. Algorithms developed to predict the effect of sequence changes on RNA splicing suggest that this variant may disrupt the consensus splice site. For these reasons, this variant has been classified as Pathogenic.

Literature cited by the submitters: PubMed 10666480; PubMed 12175777.

NM_000169.3(GLA):c.488del (p.Gly163fs)

Genes: GLA (galactosidase alpha; minus strand), RPL36A-HNRNPH2 (RPL36A-HNRNPH2 readthrough; plus strand). Cytogenetic location: Xq22.1.
Variant type: Deletion.
Coding change: c.488del on transcript NM_000169.3 (MANE Select); coding-DNA position 488, one base deleted (G; older notation c.488delG).
Protein change: p.Gly163fs; shifts the reading frame from glycine 163.
Molecular consequence: frameshift variant. On other transcripts: non-coding transcript variant (3), intron variant (2).
Genome position (GRCh38, 1-based): chrX:101,401,691, C deleted on the plus strand (G on the coding strand, the reverse complement: GLA is on the minus strand); the first of 4 consecutive C bases (chrX:101,401,691-101,401,694); deleting any one gives the same sequence. VCF-style (leftmost placement, unchanged base first): chrX-101401690-TC-T. GRCh37 (hg19) VCF-style: chrX-100656678-TC-T.
Other names: c.611del, p.Gly204fs (NM_001406747.1, NM_001406749.1); c.488del, p.Gly163fs (NM_001406748.1); c.300+6237del (NM_001199973.2); c.177+9872del (NM_001199974.2); short protein forms G163fs, G204fs.
Identifiers: ClinVar variation 2750790 (VCV002750790.3), dbSNP rs2520895683, ClinGen allele CA2697544664.